The following is an entry in ClinVar:

NM_139343.3(BIN1):c.155A>T (p.Asn52Ile)

Gene: BIN1 (bridging integrator 1; minus strand). Cytogenetic location: 2q14.3.
Variant type: single nucleotide variant.
Coding change: c.155A>T on transcript NM_139343.3 (MANE Select); coding-DNA position 155, A replaced by T.
Protein change: p.Asn52Ile; replaces asparagine 52 with isoleucine.
Molecular consequence: missense variant.
Genome position (GRCh38, 1-based): chr2:127,076,636, T>A on the plus strand (A>T on the coding strand, the complement: BIN1 is on the minus strand). VCF-style: chr2-127076636-T-A. GRCh37 (hg19) VCF-style: chr2-127834212-T-A.
Other names: c.155A>T, p.Asn52Ile (NM_001320632.2, NM_001320633.2, NM_001320640.2 and 10 more transcripts); c.83A>T, p.Asn28Ile (NM_001320634.1); c.74A>T, p.Asn25Ile (NM_001320642.1); short protein forms N25I, N28I, N52I.
Identifiers: ClinVar variation 2429578 (VCV002429578.4), dbSNP rs369549551, ClinGen allele CA55327144.

ClinVar aggregate classification (germline): Uncertain significance. Review status: criteria provided, multiple submitters, no conflicts (2 of 4 stars). 2 submissions from 2 submitters: Uncertain significance (2). Last evaluated 2023-07-19.

Conditions:
Myopathy, centronuclear, 2 (CNM2). Also called: MYOTUBULAR MYOPATHY, AUTOSOMAL RECESSIVE. Identifiers: Orphanet 169186, MedGen CN031787, MONDO:0009709, OMIM 255200.

Allele frequency attached by ClinVar (database versions not stated): ESP Exome Variant Server 0.00008.
gnomAD v4.1: 14 of 1,614,112 alleles (0.00087%); highest among the groups gnomAD compares: Non-Finnish European, 0.0012%; no homozygotes.

Submissions (2):

Labcorp Genetics (formerly Invitae), Labcorp
Classification: Uncertain significance for Myopathy, centronuclear, 2. Last evaluated: 2023-07-19. Review status: criteria provided, single submitter. Criteria: Invitae Variant Classification Sherloc (09022015). Collection method: clinical testing. Allele origin: germline.
Comment: In summary, the available evidence is currently insufficient to determine the role of this variant in disease. Therefore, it has been classified as a Variant of Uncertain Significance. Advanced modeling of protein sequence and biophysical properties (such as structural, functional, and spatial information, amino acid conservation, physicochemical variation, residue mobility, and thermodynamic stability) performed at Invitae indicates that this missense variant is not expected to disrupt BIN1 protein function. ClinVar contains an entry for this variant (Variation ID: 2429578). This variant has not been reported in the literature in individuals affected with BIN1-related conditions. This variant is not present in population databases (gnomAD no frequency). This sequence change replaces asparagine, which is neutral and polar, with isoleucine, which is neutral and non-polar, at codon 52 of the BIN1 protein (p.Asn52Ile).

GeneDx
Classification: Uncertain significance. Last evaluated: 2023-02-09. Review status: criteria provided, single submitter. Criteria: GeneDx Variant Classification Process June 2021. Collection method: clinical testing. Allele origin: germline. Affected: yes.
Comment: Not observed at significant frequency in large population cohorts (gnomAD); In silico analysis supports that this missense variant has a deleterious effect on protein structure/function; Has not been previously published as pathogenic or benign to our knowledge